The following is an entry in ClinVar:

NM_152415.3(VPS37A):c.417-2A>G

Gene: VPS37A (VPS37A subunit of ESCRT-I; plus strand). Cytogenetic location: 8p22.
Variant type: single nucleotide variant.
Coding change: c.417-2A>G on transcript NM_152415.3 (MANE Select); the canonical splice acceptor site of the intron before coding-DNA position 417, A replaced by G.
Molecular consequence: splice acceptor variant.
Genome position (GRCh38, 1-based): chr8:17,274,731, A>G. VCF-style: chr8-17274731-A-G. GRCh37 (hg19) VCF-style: chr8-17132240-A-G.
Other names: c.147-2A>G (NM_001363172.2, NM_001363168.1, NM_001363170.1 and 2 more transcripts); c.417-2A>G (NM_001363173.2, NM_001363167.1); c.342-2A>G (NM_001145152.2).
Identifiers: ClinVar variation 1442811 (VCV001442811.6), dbSNP rs752142940, ClinGen allele CA4643319.

ClinVar aggregate classification (germline): Uncertain significance (1 of 4 stars; one submission).

Conditions:
Hereditary spastic paraplegia 53. Also called: Spastic paraplegia 53, autosomal recessive. Identifiers: Orphanet 319199, MedGen C3539494, MONDO:0013962, OMIM 614898.

Allele frequency attached by ClinVar (database versions not stated): ExAC 0.00001.
gnomAD v4.1: 4 of 1,605,646 alleles (0.00025%); highest among the groups gnomAD compares: Admixed American, 0.0034%; no homozygotes.

Submission:

Labcorp Genetics (formerly Invitae), Labcorp
Classification: Uncertain significance for Hereditary spastic paraplegia 53. Last evaluated: 2022-11-22. Review status: criteria provided, single submitter. Criteria: Invitae Variant Classification Sherloc (09022015). Collection method: clinical testing. Allele origin: germline.
Comment: This sequence change affects an acceptor splice site in intron 4 of the VPS37A gene. It is expected to disrupt RNA splicing. Variants that disrupt the donor or acceptor splice site typically lead to a loss of protein function (PMID: 16199547), however the current clinical and genetic evidence is not sufficient to establish whether loss-of-function variants in VPS37A cause disease. In summary, the available evidence is currently insufficient to determine the role of this variant in disease. Therefore, it has been classified as a Variant of Uncertain Significance. Algorithms developed to predict the effect of sequence changes on RNA splicing suggest that this variant may disrupt the consensus splice site. ClinVar contains an entry for this variant (Variation ID: 1442811). This variant has not been reported in the literature in individuals affected with VPS37A-related conditions. This variant is present in population databases (rs752142940, gnomAD 0.003%).

Literature cited by the submitters: PubMed 16199547.